The following is an entry in ClinVar:

ClinVar aggregate classification (germline): Uncertain significance. Review status: criteria provided, multiple submitters, no conflicts (2 of 4 stars). 2 submissions from 2 submitters: Uncertain significance (2). Last evaluated 2021-12-21.

Conditions:
Multiple mitochondrial dysfunctions syndrome 3 (MMDS3). Identifiers: Orphanet 363424, MedGen C3809165, MONDO:0014132, OMIM 615330.
Hereditary spastic paraplegia 74. Also called: Spastic paraplegia 74, autosomal recessive. Identifiers: Orphanet 468661, MedGen C5568837, MONDO:0014644, OMIM 616451.

Allele frequency attached by ClinVar (database versions not stated): gnomAD 0.00001 and 0.00003; TOPMed 0.00001; ExAC 0.00009.
gnomAD v4.1: 34 of 1,536,806 alleles (0.0022%); highest among the groups gnomAD compares: Middle Eastern, 0.1%; no homozygotes.

Submissions (2):

Labcorp Genetics (formerly Invitae), Labcorp
Classification: Uncertain significance for Multiple mitochondrial dysfunctions syndrome 3; Hereditary spastic paraplegia 74. Last evaluated: 2021-12-21. Review status: criteria provided, single submitter. Criteria: Invitae Variant Classification Sherloc (09022015). Collection method: clinical testing. Allele origin: germline.
Comment: This sequence change replaces valine, which is neutral and non-polar, with glycine, which is neutral and non-polar, at codon 102 of the IBA57 protein (p.Val102Gly). This variant is present in population databases (rs759005478, gnomAD 0.009%). This variant has not been reported in the literature in individuals affected with IBA57-related conditions. ClinVar contains an entry for this variant (Variation ID: 587628). Algorithms developed to predict the effect of missense changes on protein structure and function are either unavailable or do not agree on the potential impact of this missense change (SIFT: "Tolerated"; PolyPhen-2: "Possibly Damaging"; Align-GVGD: "Class C0"). In summary, the available evidence is currently insufficient to determine the role of this variant in disease. Therefore, it has been classified as a Variant of Uncertain Significance.

Genomic Research Center, Shahid Beheshti University of Medical Sciences
Classification: Uncertain significance. Last evaluated: 2018-08-07. Review status: criteria provided, single submitter. Criteria: ACMG Guidelines, 2015. Collection method: clinical testing. Allele origin: inherited. Affected: no. Observed: 1 variant allele.

NM_001010867.4(IBA57):c.305T>G (p.Val102Gly)

Gene: IBA57 (iron-sulfur cluster assembly factor IBA57; plus strand). Cytogenetic location: 1q42.13.
Variant type: single nucleotide variant.
Coding change: c.305T>G on transcript NM_001010867.4 (MANE Select); coding-DNA position 305, T replaced by G.
Protein change: p.Val102Gly; replaces valine 102 with glycine.
Molecular consequence: missense variant.
Genome position (GRCh38, 1-based): chr1:228,166,121, T>G. VCF-style: chr1-228166121-T-G. GRCh37 (hg19) VCF-style: chr1-228353822-T-G.
Other names: short protein forms V102G.
Identifiers: ClinVar variation 587628 (VCV000587628.6), dbSNP rs759005478, ClinGen allele CA1431099.